The following is an entry in ClinVar:

ClinVar aggregate classification (germline): Likely benign (1 of 4 stars; one submission).

gnomAD v4.1: 11 of 1,609,712 alleles (0.00068%); highest among the groups gnomAD compares: African/African-American, 0.012%; no homozygotes.

Submission:

CeGaT Center for Human Genetics Tuebingen
Classification: Likely benign. Last evaluated: 2025-05-01. Review status: criteria provided, single submitter. Criteria: CeGaT Center For Human Genetics Tuebingen Variant Classification Criteria Version 2. Collection method: clinical testing. Allele origin: germline. Affected: yes. Observed: 1 variant allele.
Comment: CLEC16A: BP4, BP7

NM_015226.3(CLEC16A):c.1500C>T (p.Phe500=)

Gene: CLEC16A (C-type lectin domain containing 16A; plus strand). Cytogenetic location: 16p13.13.
Variant type: single nucleotide variant.
Coding change: c.1500C>T on transcript NM_015226.3 (MANE Select); coding-DNA position 1500, C replaced by T.
Protein change: p.Phe500=; no amino-acid change (phenylalanine 500 retained).
Molecular consequence: synonymous variant.
Genome position (GRCh38, 1-based): chr16:11,024,884, C>T. VCF-style: chr16-11024884-C-T. GRCh37 (hg19) VCF-style: chr16-11118741-C-T.
Other names: c.1446C>T, p.Phe482= (NM_001243403.2); c.1494C>T, p.Phe498= (NM_001410905.1).
Identifiers: ClinVar variation 3905464 (VCV003905464.10).
Genomic context (GRCh38, chr16:11,024,884, plus strand): 5'-CTTCCTGGATATGGTGTACCACGCGCTGGACAGCCCGGATGATGATTACCATGCCCTGTT[C>T]GTGCTCTGCCTCCTCTATGCCATGTCTCATAATAAAGGTAAGCACCCTTGCCTTGCCTGA-3'
Protein context (NP_056041.1, residues 490-510): DSPDDDYHAL[Phe500=]VLCLLYAMSH